The following is an entry in ClinVar:

ClinVar aggregate classification (germline): Uncertain significance. Review status: criteria provided, multiple submitters, no conflicts (2 of 4 stars). 2 submissions from 2 submitters: Uncertain significance (2). Last evaluated 2022-07-17.

Conditions:
Primary ciliary dyskinesia. Also called: Ciliary dyskinesia. Identifiers: Orphanet 244, MedGen C0008780, MONDO:0016575, HP:0012265.

Allele frequency attached by ClinVar (database versions not stated): gnomAD 0.00001; TOPMed 0.00004.
gnomAD v4.1: 54 of 1,614,026 alleles (0.0033%); highest among the groups gnomAD compares: Non-Finnish European, 0.0042%; no homozygotes.

Submissions (2):

Ambry Genetics
Classification: Uncertain significance for Primary ciliary dyskinesia. Last evaluated: 2022-07-17. Review status: criteria provided, single submitter. Criteria: Ambry Variant Classification Scheme 2023. Collection method: clinical testing. Allele origin: germline.
Comment: The p.Y4371C variant (also known as c.13112A>G), located in coding exon 75 of the DNAH5 gene, results from an A to G substitution at nucleotide position 13112. The tyrosine at codon 4371 is replaced by cysteine, an amino acid with highly dissimilar properties. This amino acid position is conserved. In addition, the in silico prediction for this alteration is inconclusive. Since supporting evidence is limited at this time, the clinical significance of this alteration remains unclear.

Labcorp Genetics (formerly Invitae), Labcorp
Classification: Uncertain significance for Primary ciliary dyskinesia. Last evaluated: 2022-03-05. Review status: criteria provided, single submitter. Criteria: Invitae Variant Classification Sherloc (09022015). Collection method: clinical testing. Allele origin: germline.
Comment: This sequence change replaces tyrosine, which is neutral and polar, with cysteine, which is neutral and slightly polar, at codon 4371 of the DNAH5 protein (p.Tyr4371Cys). This variant is present in population databases (no rsID available, gnomAD 0.003%). This variant has not been reported in the literature in individuals affected with DNAH5-related conditions. Advanced modeling of protein sequence and biophysical properties (such as structural, functional, and spatial information, amino acid conservation, physicochemical variation, residue mobility, and thermodynamic stability) performed at Invitae indicates that this missense variant is not expected to disrupt DNAH5 protein function. In summary, the available evidence is currently insufficient to determine the role of this variant in disease. Therefore, it has been classified as a Variant of Uncertain Significance.

NM_001369.3(DNAH5):c.13112A>G (p.Tyr4371Cys)

Gene: DNAH5 (dynein axonemal heavy chain 5; minus strand). Cytogenetic location: 5p15.2.
Variant type: single nucleotide variant.
Coding change: c.13112A>G on transcript NM_001369.3 (MANE Select); coding-DNA position 13112, A replaced by G.
Protein change: p.Tyr4371Cys; replaces tyrosine 4371 with cysteine.
Molecular consequence: missense variant.
Genome position (GRCh38, 1-based): chr5:13,714,418, T>C on the plus strand (A>G on the coding strand, the complement: DNAH5 is on the minus strand). VCF-style: chr5-13714418-T-C. GRCh37 (hg19) VCF-style: chr5-13714527-T-C.
Other names: short protein forms Y4371C.
Identifiers: ClinVar variation 1769664 (VCV001769664.4), dbSNP rs886142477, ClinGen allele CA113917434.